The following is an entry in ClinVar:

ClinVar aggregate classification (germline): Conflicting classifications of pathogenicity. Review status: criteria provided, conflicting classifications (1 of 4 stars). 18 submissions from 14 submitters: Uncertain significance (6); Benign (4); Likely benign (7). 1 of the submissions does not count toward it. Last evaluated 2026-09-01.

Conditions:
TTN-related disorder. Also called: TTN-related disorders; TTN-related condition; TTN-related disease.
Cardiovascular phenotype. Identifiers: MedGen CN230736.
Autosomal recessive limb-girdle muscular dystrophy type 2J (LGMDR10). Also called: MUSCULAR DYSTROPHY, LIMB-GIRDLE, AUTOSOMAL RECESSIVE 10; Limb-girdle muscular dystrophy, type 2J. Identifiers: Orphanet 140922, MedGen C1837342, MONDO:0012127, OMIM 608807.
Dilated cardiomyopathy 1G (CMD1G). Identifiers: Orphanet 154, MedGen C1858763, MONDO:0011400, OMIM 604145.
Early-onset myopathy with fatal cardiomyopathy (CMYO5). Also called: CONGENITAL MYOPATHY 5 WITH CARDIOMYOPATHY; Salih Myopathy. Identifiers: Orphanet 289377, MedGen C2673677, MONDO:0012714, OMIM 611705. Disease mechanism: loss of function.
Myopathy, myofibrillar, 9, with early respiratory failure (MFM9). Also called: Myopathy, distal, with early respiratory failure, autosomal dominant; Hereditary myopathy with early respiratory failure; EDSTROM MYOPATHY; MYOPATHY, PROXIMAL, WITH EARLY RESPIRATORY MUSCLE INVOLVEMENT. Identifiers: Orphanet 178464, Orphanet 34521, MedGen C1863599, MONDO:0011362, OMIM 603689.
Tibial muscular dystrophy (TMD). Also called: Tibial muscular dystrophy, tardive; Udd Distal Myopathy – Tibial Muscular Dystrophy; UDD MYOPATHY. Identifiers: Orphanet 609, MedGen C1838244, MONDO:0010870, OMIM 600334.

Allele frequency attached by ClinVar (database versions not stated): ESP Exome Variant Server 0.00026; gnomAD exomes 0.00044 and 0.00073; gnomAD 0.00068 and 0.00071; ExAC 0.00081; TOPMed 0.00093; 1000 Genomes Project 0.00120; 1000 Genomes Project 30x 0.00141.
gnomAD v4.1: 782 of 1,542,498 alleles (0.051%); highest among the groups gnomAD compares: Middle Eastern, 0.3%; 4 homozygotes.

Submissions (18):

CeGaT Center for Human Genetics Tuebingen
Classification: Likely benign. Last evaluated: 2026-09-01. Review status: criteria provided, single submitter. Criteria: CeGaT Center For Human Genetics Tuebingen Variant Classification Criteria Version 2. Collection method: clinical testing. Allele origin: germline. Affected: yes. Observed: 42 variant alleles.
Comment: TTN: BP4

Labcorp Genetics (formerly Invitae), Labcorp
Classification: Likely benign for Dilated cardiomyopathy 1G; Autosomal recessive limb-girdle muscular dystrophy type 2J. Last evaluated: 2026-02-03. Review status: criteria provided, single submitter. Criteria: Invitae Variant Classification Sherloc (09022015). Collection method: clinical testing. Allele origin: germline.

Blueprint Genetics
Classification: Likely benign. Last evaluated: 2024-11-22. Review status: criteria provided, single submitter. Criteria: ACMG Guidelines, 2015. Collection method: clinical testing. Allele origin: germline.

GeneDx
Classification: Likely benign. Last evaluated: 2020-12-04. Review status: criteria provided, single submitter. Criteria: GeneDx Variant Classification Process June 2021. Collection method: clinical testing. Allele origin: germline. Affected: yes.
Comment: This variant is associated with the following publications: (PMID: 17344846)

Women's Health and Genetics/Laboratory Corporation of America, LabCorp
Classification: Likely benign. Last evaluated: 2020-03-11. Review status: criteria provided, single submitter. Criteria: LabCorp Variant Classification Summary - May 2015. Collection method: clinical testing. Allele origin: germline.
Comment: Variant summary: TTN c.98876A>T (p.Glu32959Val) results in a non-conservative amino acid change located in the M-band region of the encoded protein sequence. Three of four in-silico tools predict a benign effect of the variant on protein function. The variant allele was found at a frequency of 0.00073 in 179430 control chromosomes, predominantly at a frequency of 0.0012 within the African or African-American subpopulation in the gnomAD database. The observed variant frequency within African or African-American control individuals in the gnomAD database is approximately 1.9- fold the estimated maximal expected allele frequency for a pathogenic variant in TTN causing Cardiomyopathy phenotype (0.00063), strongly suggesting that the variant is a benign polymorphism found primarily in populations of African or African-American origin. To our knowledge, no reports of c.98876A>T in individuals affected with cardiomyopathy and no experimental evidence demonstrating an impact on protein function have been published in the literature. Seven clinical diagnostic laboratories have submitted clinical-significance assessments for this variant to ClinVar after 2014 without evidence for independent evaluation. They have cited the variant as benign (n=2), likely benign (n=2), and uncertain significance (n=3). Based on the evidence outlined above, the variant was classified as likely benign.

Athena Diagnostics
Classification: Benign. Last evaluated: 2018-02-06. Review status: criteria provided, single submitter. Criteria: Athena Diagnostics Criteria. Collection method: clinical testing. Allele origin: germline.

Illumina Laboratory Services, Illumina
Classification: Uncertain significance for Early-onset myopathy with fatal cardiomyopathy. Last evaluated: 2018-01-12. Review status: criteria provided, single submitter. Criteria: ICSL Variant Classification Criteria 13 December 2019. Collection method: clinical testing. Allele origin: germline.

Illumina Laboratory Services, Illumina
Classification: Uncertain significance for Autosomal recessive limb-girdle muscular dystrophy type 2J. Last evaluated: 2018-01-12. Review status: criteria provided, single submitter. Criteria: ICSL Variant Classification Criteria 13 December 2019. Collection method: clinical testing. Allele origin: germline.

Illumina Laboratory Services, Illumina
Classification: Benign for Tibial muscular dystrophy. Last evaluated: 2018-01-12. Review status: criteria provided, single submitter. Criteria: ICSL Variant Classification Criteria 13 December 2019. Collection method: clinical testing. Allele origin: germline.
Comment: This variant was observed in the ICSL laboratory as part of a predisposition screen in an ostensibly healthy population. It had not been previously curated by ICSL or reported in the Human Gene Mutation Database (HGMD: prior to June 1st, 2018), and was therefore a candidate for classification through an automated scoring system. Utilizing variant allele frequency, disease prevalence and penetrance estimates, and inheritance mode, an automated score was calculated to assess if this variant is too frequent to cause the disease. Based on the score and internal cut-off values, a variant classified as benign is not then subjected to further curation. The score for this variant resulted in a classification of benign for this disease.

Illumina Laboratory Services, Illumina
Classification: Uncertain significance for Dilated cardiomyopathy 1G. Last evaluated: 2018-01-12. Review status: criteria provided, single submitter. Criteria: ICSL Variant Classification Criteria 13 December 2019. Collection method: clinical testing. Allele origin: germline.

Illumina Laboratory Services, Illumina
Classification: Benign for Myopathy, myofibrillar, 9, with early respiratory failure. Last evaluated: 2018-01-12. Review status: criteria provided, single submitter. Criteria: ICSL Variant Classification Criteria 13 December 2019. Collection method: clinical testing. Allele origin: germline.
Comment: the same text as in the submission from Illumina Laboratory Services, Illumina above.

Ambry Genetics
Classification: Benign for Cardiovascular phenotype. Last evaluated: 2016-12-06. Review status: criteria provided, single submitter. Criteria: Ambry Variant Classification Scheme 2023. Collection method: clinical testing. Allele origin: germline.

Genetic Services Laboratory, University of Chicago
Classification: Uncertain significance. Last evaluated: 2016-09-02. Review status: criteria provided, single submitter. Criteria: ACMG Guidelines, 2015. Collection method: clinical testing. Allele origin: germline. Affected: no.

Eurofins Ntd Llc (ga)
Classification: Uncertain significance. Last evaluated: 2015-07-22. Review status: criteria provided, single submitter. Criteria: EGL Classification Definitions 2015. Collection method: clinical testing. Allele origin: germline. Observed: 4 variant alleles, 4 heterozygotes.

Laboratory for Molecular Medicine, Mass General Brigham Personalized Medicine
Classification: Uncertain significance. Last evaluated: 2013-09-06. Review status: criteria provided, single submitter. Criteria: LMM Criteria. Collection method: clinical testing. Allele origin: germline. Observed: 2 variant alleles.
Comment: This var iant has also been identified in 3/569 European chromosomes from the ClinSeq pro ject (dbSNP rs55725279) and in 3/8124 European American chromosomes by the NHLBI Exome Sequencing Project. Computational anal yses (biochemical amino acid properties, conservation, AlignGVGD, PolyPhen2, and SIFT) do not provide strong support for or against an impact to the protein. Ad ditional information is needed to fully assess its clinical significance.

Biesecker Lab/Clinical Genomics Section, National Institutes of Health
Classification: Likely benign. Last evaluated: 2013-06-24. Review status: criteria provided, single submitter. Criteria: Ng et al. (Circ Cardiovasc Genet. 2013). Collection method: research. Allele origin: unknown. Observed: 3 variant alleles. Study: ClinSeq.
Comment: The study set was not selected for affection status in relation to any cancer. Pathogenicity categories were based on literature curation. See Pubmed ID:23861362 for details.

Medical sequencing

Molecular Diagnostic Laboratory for Inherited Cardiovascular Disease, Montreal Heart Institute
Classification: Likely benign. Review status: criteria provided, single submitter. Criteria: ACMG Guidelines, 2015. Collection method: clinical testing. Allele origin: germline. Affected: yes.

PreventionGenetics, part of Exact Sciences
Classification: Benign for TTN-related condition. Last evaluated: 2024-02-20. Review status: no assertion criteria provided. Collection method: clinical testing. Allele origin: germline. Not counted in ClinVar's aggregate classification.
Comment: This variant is classified as benign based on ACMG/AMP sequence variant interpretation guidelines (Richards et al. 2015 PMID: 25741868, with internal and published modifications).

Literature cited by the submitters: PubMed 23861362 (cited by Women's Health and Genetics/Laboratory Corporation of America, LabCorp).

NM_001267550.2(TTN):c.106580A>T (p.Glu35527Val)

Genes: TTN (titin; minus strand), TTN-AS1 (TTN antisense RNA 1; plus strand). Cytogenetic location: 2q31.2.
Variant type: single nucleotide variant.
Coding change: c.106580A>T on transcript NM_001267550.2 (MANE Select); coding-DNA position 106580, A replaced by T.
Protein change: p.Glu35527Val; replaces glutamic acid 35527 with valine.
Molecular consequence: missense variant.
Genome position (GRCh38, 1-based): chr2:178,529,171, T>A on the plus strand (A>T on the coding strand, the complement: TTN is on the minus strand). VCF-style: chr2-178529171-T-A. GRCh37 (hg19) VCF-style: chr2-179393898-T-A.
Other names: p.E33886V:GAA>GTA; c.101657A>T, p.Glu33886Val (NM_001256850.1); c.79385A>T, p.Glu26462Val (NM_003319.4); c.98876A>T, p.Glu32959Val (NM_133378.4); c.79760A>T, p.Glu26587Val (NM_133432.3); c.79961A>T, p.Glu26654Val (NM_133437.4); short protein forms E35527V, E32959V, E33886V, E26462V, E26587V, E26654V.
Identifiers: ClinVar variation 47709 (VCV000047709.67), dbSNP rs55725279, ClinGen allele CA141752.